The following is an entry in ClinVar:

ClinVar aggregate classification (germline): Uncertain significance. Review status: criteria provided, multiple submitters, no conflicts (2 of 4 stars). 2 submissions from 2 submitters: Uncertain significance (2). Last evaluated 2025-04-26.

Allele frequency attached by ClinVar (database versions not stated): gnomAD exomes below 0.00001; TOPMed 0.00001.
gnomAD v4.1: 5 of 1,614,174 alleles (0.00031%); highest among the groups gnomAD compares: Non-Finnish European, 0.00042%; no homozygotes.

Submissions (2):

Labcorp Genetics (formerly Invitae), Labcorp
Classification: Uncertain significance. Last evaluated: 2025-04-26. Review status: criteria provided, single submitter. Criteria: Invitae Variant Classification Sherloc (09022015). Collection method: clinical testing. Allele origin: germline.
Comment: This sequence change replaces leucine, which is neutral and non-polar, with isoleucine, which is neutral and non-polar, at codon 236 of the VPS33A protein (p.Leu236Ile). This variant is present in population databases (no rsID available, gnomAD 0.0009%). This variant has not been reported in the literature in individuals affected with VPS33A-related conditions. ClinVar contains an entry for this variant (Variation ID: 1907386). Invitae Evidence Modeling of protein sequence and biophysical properties (such as structural, functional, and spatial information, amino acid conservation, physicochemical variation, residue mobility, and thermodynamic stability) indicates that this missense variant is not expected to disrupt VPS33A protein function with a negative predictive value of 80%. In summary, the available evidence is currently insufficient to determine the role of this variant in disease. Therefore, it has been classified as a Variant of Uncertain Significance.

Ambry Genetics
Classification: Uncertain significance. Last evaluated: 2024-09-03. Review status: criteria provided, single submitter. Criteria: Ambry Variant Classification Scheme 2023. Collection method: clinical testing. Allele origin: germline.

NM_022916.6(VPS33A):c.706T>A (p.Leu236Ile)

Gene: VPS33A (VPS33A core subunit of CORVET and HOPS complexes; minus strand). Cytogenetic location: 12q24.31.
Variant type: single nucleotide variant.
Coding change: c.706T>A on transcript NM_022916.6 (MANE Select); coding-DNA position 706, T replaced by A.
Protein change: p.Leu236Ile; replaces leucine 236 with isoleucine.
Molecular consequence: missense variant.
Genome position (GRCh38, 1-based): chr12:122,249,940, A>T on the plus strand (T>A on the coding strand, the complement: VPS33A is on the minus strand). VCF-style: chr12-122249940-A-T. GRCh37 (hg19) VCF-style: chr12-122734487-A-T.
Other names: c.706T>A (NM_022916.4); c.673T>A, p.Leu225Ile (NM_001351018.2); c.658T>A, p.Leu220Ile (NM_001351019.2); c.706T>A, p.Leu236Ile (NM_001351020.2); short protein forms L225I, L220I, L236I.
Identifiers: ClinVar variation 1907386 (VCV001907386.4), dbSNP rs954187974, ClinGen allele CA244696609.
Genomic context (GRCh38, chr12:122,249,940, plus strand): 5'-TGCCATAAATTTCATCAATGAGTCCTTCATATGTCAGCTGAGTGGCAAGAGGTGTTAATA[A>T]ATCCACATTCCGATCAAGCAACAAGAGATTATCAAAAACAGGAAATATTGAATTCTGGCT-3'
Protein context (NP_075067.2, residues 226-246): NLLLLDRNVD[Leu236Ile]LTPLATQLTY